The following is an entry in ClinVar:

ClinVar aggregate classification (germline): Pathogenic (1 of 4 stars; one submission).

Conditions:
Breast-ovarian cancer, familial, susceptibility to, 1 (BROVCA1). Also called: BRCA1 Hereditary Breast and Ovarian Cancer; OVARIAN CANCER, SUSCEPTIBILITY TO. Identifiers: Orphanet 145, MedGen C2676676, MONDO:0011450, OMIM 604370. Disease mechanism: loss of function.

Submissions (2):

Consortium of Investigators of Modifiers of BRCA1/2 (CIMBA), c/o University of Cambridge
Classification: Pathogenic for Breast-ovarian cancer, familial, susceptibility to, 1. Last evaluated: 2015-10-02. Review status: criteria provided, single submitter. Criteria: CIMBA Mutation Classification guidelines May 2016. Collection method: clinical testing. Allele origin: germline.

Brotman Baty Institute, University of Washington
No classification provided (evidence only). Condition: Breast-ovarian cancer, familial 1. Review status: no classification provided. Collection method: in vitro. Allele origin: not applicable. Functional consequence: functionally_abnormal. Not counted in ClinVar's aggregate classification.
ClinVar note: "not provided" was previously submitted as the classification for the variant. However, the classification appeared to be based only on an observation of functional data so it was converted to no classification on 2025-07-30.

NM_007294.4(BRCA1):c.5194-1G>C

Gene: BRCA1 (BRCA1 DNA repair associated; minus strand). Cytogenetic location: 17q21.31.
Variant type: single nucleotide variant.
Coding change: c.5194-1G>C on transcript NM_007294.4 (MANE Select); the canonical splice acceptor site of the intron before coding-DNA position 5194, G replaced by C.
Molecular consequence: splice acceptor variant.
Genome position (GRCh38, 1-based): chr17:43,057,136, C>G on the plus strand (G>C on the coding strand, the complement: BRCA1 is on the minus strand). VCF-style: chr17-43057136-C-G. GRCh37 (hg19) VCF-style: chr17-41209153-C-G.
Other names: c.1621-1G>C (NM_001408497.1, NM_001408500.1, NM_001408498.1 and 3 more transcripts); c.1885-1G>C (NM_001407973.1, NM_001407976.1, NM_001407974.1 and 3 more transcripts); c.5194-1G>C (NM_001407596.1, NM_001407603.1, NM_001407854.1 and 7 more transcripts); c.4306-1G>C (NM_001407966.1); c.4807-1G>C (NM_001407963.1); c.1501-1G>C (NM_001408511.1); c.1744-1G>C (NM_001408457.1, NM_001408452.1, NM_001408453.1 and 3 more transcripts); c.5053-1G>C (NM_001407692.1, NM_001407729.1, NM_001407730.1 and 13 more transcripts); and 72 more.
Identifiers: ClinVar variation 267584 (VCV000267584.7), dbSNP rs80358173, ClinGen allele CA10591149.